The following is an entry in ClinVar:

ClinVar aggregate classification (germline): Likely benign (1 of 4 stars; one submission).

gnomAD v4.1: 4 of 1,614,138 alleles (0.00025%); highest among the groups gnomAD compares: Middle Eastern, 0.033%; no homozygotes.

Submission:

CeGaT Center for Human Genetics Tuebingen
Classification: Likely benign. Last evaluated: 2025-02-01. Review status: criteria provided, single submitter. Criteria: CeGaT Center For Human Genetics Tuebingen Variant Classification Criteria Version 2. Collection method: clinical testing. Allele origin: germline. Affected: yes. Observed: 2 variant alleles.
Comment: SMARCA2: BP4, BP7

NM_003070.5(SMARCA2):c.3798G>C (p.Arg1266=)

Gene: SMARCA2 (SWI/SNF related BAF chromatin remodeling complex subunit ATPase 2; plus strand). Cytogenetic location: 9p24.3.
Variant type: single nucleotide variant.
Coding change: c.3798G>C on transcript NM_003070.5 (MANE Select); coding-DNA position 3798, G replaced by C.
Protein change: p.Arg1266=; no amino-acid change (arginine 1266 retained).
Molecular consequence: synonymous variant.
Genome position (GRCh38, 1-based): chr9:2,123,754, G>C. VCF-style: chr9-2123754-G-C. GRCh37 (hg19) VCF-style: chr9-2123754-G-C.
Other names: c.3798G>C, p.Arg1266= (NM_001289396.2, NM_139045.4); c.3624G>C, p.Arg1208= (NM_001289397.2).
Identifiers: ClinVar variation 3771431 (VCV003771431.13).